The following is an entry in ClinVar:

NM_004959.5(NR5A1):c.633C>T (p.Tyr211=)

Gene: NR5A1 (nuclear receptor subfamily 5 group A member 1; minus strand). Cytogenetic location: 9q33.3.
Variant type: single nucleotide variant.
Coding change: c.633C>T on transcript NM_004959.5 (MANE Select); coding-DNA position 633, C replaced by T.
Protein change: p.Tyr211=; no amino-acid change (tyrosine 211 retained).
Molecular consequence: synonymous variant.
Genome position (GRCh38, 1-based): chr9:124,500,327, G>A on the plus strand (C>T on the coding strand, the complement: NR5A1 is on the minus strand). VCF-style: chr9-124500327-G-A. GRCh37 (hg19) VCF-style: chr9-127262606-G-A.
Identifiers: ClinVar variation 704615 (VCV000704615.14), dbSNP rs374363746, ClinGen allele CA5235428.

ClinVar aggregate classification (germline): Benign/Likely benign. Review status: criteria provided, multiple submitters, no conflicts (2 of 4 stars). 3 submissions from 3 submitters: Benign (1); Likely benign (1). 1 of the submissions does not count toward it. Last evaluated 2025-06-27.

Conditions:
NR5A1-related disorder. Also called: NR5A1-related condition.
Oligosynaptic infertility (SPGF1). Also called: SPERMATOGENIC FAILURE 1; OLIGOCHIASMATIC INFERTILITY. Identifiers: MedGen C0403810, MONDO:0009776, OMIM 258150.
46 XY differences of sex development. Also called: 46,XY disorder of sex development; 46, XY disorder of sex development (DSD). Identifiers: Orphanet 98085, MedGen C2751824, MONDO:0020040.

Allele frequency attached by ClinVar (database versions not stated): gnomAD exomes 0.00018 and 0.00033; ExAC 0.00058; 1000 Genomes Project 0.00100; 1000 Genomes Project 30x 0.00125; ESP Exome Variant Server 0.00128; gnomAD 0.00145 and 0.00162; TOPMed 0.00179.
gnomAD v4.1: 493 of 1,558,300 alleles (0.032%); highest among the groups gnomAD compares: African/African-American, 0.54%; 4 homozygotes.

Submissions (3):

Labcorp Genetics (formerly Invitae), Labcorp
Classification: Likely benign for 46 XY differences of sex development; Oligosynaptic infertility. Last evaluated: 2025-06-27. Review status: criteria provided, single submitter. Criteria: Invitae Variant Classification Sherloc (09022015). Collection method: clinical testing. Allele origin: germline.

GeneDx
Classification: Benign. Last evaluated: 2015-03-03. Review status: criteria provided, single submitter. Criteria: GeneDx Variant Classification Process June 2021. Collection method: clinical testing. Allele origin: germline. Affected: yes.

PreventionGenetics, part of Exact Sciences
Classification: Likely benign for NR5A1-related condition. Last evaluated: 2019-02-28. Review status: no assertion criteria provided. Collection method: clinical testing. Allele origin: germline. Not counted in ClinVar's aggregate classification.
Comment: This variant is classified as likely benign based on ACMG/AMP sequence variant interpretation guidelines (Richards et al. 2015 PMID: 25741868, with internal and published modifications).